The following is an entry in ClinVar:

NM_025099.6(CTC1):c.1856G>T (p.Gly619Val)

Gene: CTC1 (CST telomere replication complex component 1; minus strand). Cytogenetic location: 17p13.1.
Variant type: single nucleotide variant.
Coding change: c.1856G>T on transcript NM_025099.6 (MANE Select); coding-DNA position 1856, G replaced by T.
Protein change: p.Gly619Val; replaces glycine 619 with valine.
Molecular consequence: missense variant. On other transcripts: non-coding transcript variant (1).
Genome position (GRCh38, 1-based): chr17:8,232,995, C>A on the plus strand (G>T on the coding strand, the complement: CTC1 is on the minus strand). VCF-style: chr17-8232995-C-A. GRCh37 (hg19) VCF-style: chr17-8136313-C-A.
Other names: short protein forms G619V.
Identifiers: ClinVar variation 839189 (VCV000839189.9), dbSNP rs1987375790, ClinGen allele CA397980900.

ClinVar aggregate classification (germline): Uncertain significance (1 of 4 stars; one submission).

Conditions:
Dyskeratosis congenita. Identifiers: Orphanet 1775, MedGen C0265965, MONDO:0015780.

gnomAD v4.1: 1 of 1,614,102 alleles (0.000062%); no homozygotes.

Submission:

Labcorp Genetics (formerly Invitae), Labcorp
Classification: Uncertain significance for Dyskeratosis congenita. Last evaluated: 2019-03-13. Review status: criteria provided, single submitter. Criteria: Invitae Variant Classification Sherloc (09022015). Collection method: clinical testing. Allele origin: germline.
Comment: Algorithms developed to predict the effect of missense changes on protein structure and function are either unavailable or do not agree on the potential impact of this missense change (SIFT: "Deleterious"; PolyPhen-2: "Possibly Damaging"; Align-GVGD: "Class C0"). This variant has not been reported in the literature in individuals with CTC1-related conditions. In summary, the available evidence is currently insufficient to determine the role of this variant in disease. Therefore, it has been classified as a Variant of Uncertain Significance. Algorithms developed to predict the effect of sequence changes on RNA splicing suggest that this variant may create or strengthen a splice site, but this prediction has not been confirmed by published transcriptional studies. This variant is not present in population databases (ExAC no frequency). This sequence change replaces glycine with valine at codon 619 of the CTC1 protein (p.Gly619Val). The glycine residue is highly conserved and there is a moderate physicochemical difference between glycine and valine.